The following is an entry in ClinVar:

ClinVar aggregate classification (germline): Uncertain significance (1 of 4 stars; one submission).

Conditions:
Ataxia-telangiectasia syndrome (AT). Also called: LOUIS-BAR SYNDROME; Cerebello-oculocutaneous telangiectasia; Immunodeficiency with ataxia telangiectasia; Ataxia telangiectasia (A-T); Ataxia-telangiectasia, complementation group D; AT, COMPLEMENTATION GROUP C. Identifiers: Orphanet 100, MedGen C0004135, MONDO:0008840, OMIM 208900.

Submission:

Labcorp Genetics (formerly Invitae), Labcorp
Classification: Uncertain significance for Ataxia-telangiectasia syndrome. Last evaluated: 2023-09-11. Review status: criteria provided, single submitter. Criteria: Invitae Variant Classification Sherloc (09022015). Collection method: clinical testing. Allele origin: germline.
Comment: This sequence change replaces isoleucine, which is neutral and non-polar, with threonine, which is neutral and polar, at codon 2356 of the ATM protein (p.Ile2356Thr). This variant is not present in population databases (gnomAD no frequency). This variant has not been reported in the literature in individuals affected with ATM-related conditions. An algorithm developed to predict the effect of missense changes on protein structure and function (PolyPhen-2) suggests that this variant is likely to be disruptive. In summary, the available evidence is currently insufficient to determine the role of this variant in disease. Therefore, it has been classified as a Variant of Uncertain Significance.

NM_000051.4(ATM):c.7067T>C (p.Ile2356Thr)

Genes: ATM (ATM serine/threonine kinase; plus strand), C11orf65 (chromosome 11 open reading frame 65; minus strand). Cytogenetic location: 11q22.3.
Variant type: single nucleotide variant.
Coding change: c.7067T>C on transcript NM_000051.4 (MANE Select); coding-DNA position 7067, T replaced by C.
Protein change: p.Ile2356Thr; replaces isoleucine 2356 with threonine.
Molecular consequence: missense variant. On other transcripts: intron variant (2).
Genome position (GRCh38, 1-based): chr11:108,327,736, T>C. VCF-style: chr11-108327736-T-C. GRCh37 (hg19) VCF-style: chr11-108198463-T-C.
Other names: c.7067T>C, p.Ile2356Thr (NM_001351834.2); c.641-18665A>G (NM_001330368.2); c.*38+7484A>G (NM_001351110.2); short protein forms I2356T.
Identifiers: ClinVar variation 2760064 (VCV002760064.3), dbSNP rs2136378472, ClinGen allele CA382559067.